The following is an entry in ClinVar:

ClinVar aggregate classification (germline): Likely benign (0 of 4 stars; one submission).

Conditions:
TXNRD2-related disorder. Also called: TXNRD2-related condition.

Allele frequency attached by ClinVar (database versions not stated): ExAC 0.00001; 1000 Genomes Project 30x 0.00016; 1000 Genomes Project 0.00020.

Submission:

PreventionGenetics, part of Exact Sciences
Classification: Likely benign for TXNRD2-related condition. Last evaluated: 2022-02-27. Review status: no assertion criteria provided. Collection method: clinical testing. Allele origin: germline.
Comment: This variant is classified as likely benign based on ACMG/AMP sequence variant interpretation guidelines (Richards et al. 2015 PMID: 25741868, with internal and published modifications).

NM_006440.5(TXNRD2):c.*3G>A

Gene: TXNRD2 (thioredoxin reductase 2; minus strand). Cytogenetic location: 22q11.21.
Variant type: single nucleotide variant.
Coding change: c.*3G>A on transcript NM_006440.5 (MANE Select); 3 bases downstream of the stop codon, G replaced by A.
Molecular consequence: 3 prime UTR variant. On other transcripts: non-coding transcript variant (1).
Genome position (GRCh38, 1-based): chr22:19,877,102, C>T on the plus strand (G>A on the coding strand, the complement: TXNRD2 is on the minus strand). VCF-style: chr22-19877102-C-T. GRCh37 (hg19) VCF-style: chr22-19864625-C-T.
Other names: c.*3G>A (NM_001352300.2, NM_001352301.2, NM_001352302.2).
Identifiers: ClinVar variation 3056247 (VCV003056247.2), dbSNP rs554627343, ClinGen allele CA10103591.